The following is an entry in ClinVar:

NM_001931.5(DLAT):c.381+21_381+22dup

Gene: DLAT (dihydrolipoamide S-acetyltransferase; plus strand). Cytogenetic location: 11q23.1.
Variant type: Duplication.
Coding change: c.381+21_381+22dup on transcript NM_001931.5 (MANE Select); bases 21 to 22 of the intron after coding-DNA position 381, 2 bases duplicated (TT; older notation c.381+21_381+22dupTT).
Molecular consequence: intron variant.
Genome position (GRCh38, 1-based): chr11:112,026,320-112,026,321, TT duplicated; duplicating any 2 consecutive bases within chr11:112,026,305-112,026,321 gives the same sequence; the c. name uses the placement nearest the transcript's 3' end. VCF-style (leftmost placement, unchanged base first): chr11-112026304-G-GTT. GRCh37 (hg19) VCF-style: chr11-111897028-G-GTT.
Other names: p.?; c.-86+21_-86+22dup (NM_001372042.1); c.381+21_381+22dup (NM_001372031.1, NM_001372033.1, NM_001372035.1 and 4 more transcripts); c.364+38_364+39dup (NM_001372040.1); c.348+21_348+22dup (NM_001372034.1); c.255+21_255+22dup (NM_001372036.1); c.213+21_213+22dup (NM_001372037.1).
Identifiers: ClinVar variation 1704920 (VCV001704920.3), dbSNP rs5794771, ClinGen allele CA6276625.

ClinVar aggregate classification (germline): Benign/Likely benign. Review status: criteria provided, multiple submitters, no conflicts (2 of 4 stars). 2 submissions from 2 submitters: Benign (1); Likely benign (1). Last evaluated 2024-10-14.

Submissions (2):

Mayo Clinic Laboratories, Mayo Clinic
Classification: Benign. Last evaluated: 2024-10-14. Review status: criteria provided, single submitter. Criteria: ACMG Guidelines, 2015. Collection method: clinical testing. Allele origin: germline. Observed: 1 variant allele.
Comment: BA1, BP4, BP7

GeneDx
Classification: Likely benign. Last evaluated: 2022-03-08. Review status: criteria provided, single submitter. Criteria: GeneDx Variant Classification Process June 2021. Collection method: clinical testing. Allele origin: germline. Affected: yes.